The following is an entry in ClinVar:

NM_025137.4(SPG11):c.3244C>G (p.Leu1082Val)

Gene: SPG11 (SPG11 vesicle trafficking associated, spatacsin; minus strand). Cytogenetic location: 15q21.1.
Variant type: single nucleotide variant.
Coding change: c.3244C>G on transcript NM_025137.4 (MANE Select); coding-DNA position 3244, C replaced by G.
Protein change: p.Leu1082Val; replaces leucine 1082 with valine.
Molecular consequence: missense variant.
Genome position (GRCh38, 1-based): chr15:44,610,887, G>C on the plus strand (C>G on the coding strand, the complement: SPG11 is on the minus strand). VCF-style: chr15-44610887-G-C. GRCh37 (hg19) VCF-style: chr15-44903085-G-C.
Other names: c.3244C>G, p.Leu1082Val (NM_001160227.2); short protein forms L1082V.
Identifiers: ClinVar variation 660783 (VCV000660783.6), dbSNP rs1183035882, ClinGen allele CA392226557.

ClinVar aggregate classification (germline): Uncertain significance (1 of 4 stars; one submission).

Conditions:
Hereditary spastic paraplegia 11. Also called: Spastic paraplegia, mental retardation and thin corpus callosum; Nakamura Osame syndrome; Autosomal recessive hereditary spastic paraplegia, mental impairment, and thin corpus callosum; SPASTIC PARAPLEGIA, AUTOSOMAL RECESSIVE, COMPLICATED, WITH THIN CORPUS CALLOSUM; SPASTIC PARAPLEGIA, AUTOSOMAL RECESSIVE, WITH MENTAL IMPAIRMENT AND THIN CORPUS CALLOSUM; Spastic Paraplegia 11. Identifiers: Orphanet 2822, MedGen C1858479, MONDO:0011445, OMIM 604360.

Submission:

Labcorp Genetics (formerly Invitae), Labcorp
Classification: Uncertain significance for Hereditary spastic paraplegia 11. Last evaluated: 2021-08-27. Review status: criteria provided, single submitter. Criteria: Invitae Variant Classification Sherloc (09022015). Collection method: clinical testing. Allele origin: germline.
Comment: This sequence change replaces leucine with valine at codon 1082 of the SPG11 protein (p.Leu1082Val). The leucine residue is highly conserved and there is a small physicochemical difference between leucine and valine. This variant is not present in population databases (ExAC no frequency). This variant has not been reported in the literature in individuals affected with SPG11-related conditions. Algorithms developed to predict the effect of missense changes on protein structure and function are either unavailable or do not agree on the potential impact of this missense change (SIFT: "Deleterious"; PolyPhen-2: "Possibly Damaging"; Align-GVGD: "Class C0"). In summary, the available evidence is currently insufficient to determine the role of this variant in disease. Therefore, it has been classified as a Variant of Uncertain Significance.